The following is an entry in ClinVar:

ClinVar aggregate classification (germline): Pathogenic (1 of 4 stars; one submission).

Conditions:
Hereditary cancer-predisposing syndrome. Also called: Tumor predisposition; Neoplastic Syndromes, Hereditary; Hereditary neoplastic syndrome; Hereditary Cancer Syndrome. Identifiers: Orphanet 140162, MedGen C0027672, MeSH D009386, MONDO:0015356.

Submission:

Color Diagnostics, LLC DBA Color Health
Classification: Pathogenic for Hereditary cancer-predisposing syndrome. Last evaluated: 2020-01-27. Review status: criteria provided, single submitter. Criteria: ACMG Guidelines, 2015. Collection method: clinical testing. Allele origin: germline.
Comment: This variant deletes 1 nucleotide in exon 43 of the ATM gene, creating a frameshift and premature translation stop signal. This variant is expected to result in an absent or non-functional protein product. To our knowledge, this variant has not been reported in individuals affected with hereditary cancer in the literature. This variant has not been identified in the general population by the Genome Aggregation Database (gnomAD). Loss of ATM function is a known mechanism of disease. Based on the available evidence, this variant is classified as Pathogenic.

NM_000051.4(ATM):c.6242del (p.Tyr2080_Leu2081insTer)

Genes: C11orf65 (chromosome 11 open reading frame 65; minus strand), ATM (ATM serine/threonine kinase; plus strand). Cytogenetic location: 11q22.3.
Variant type: Deletion.
Coding change: c.6242del on transcript NM_000051.4 (MANE Select); coding-DNA position 6242, one base deleted (T; older notation c.6242delT).
Protein change: p.Tyr2080_Leu2081insTer.
Molecular consequence: nonsense. On other transcripts: frameshift variant (1), intron variant (2).
Genome position (GRCh38, 1-based): chr11:108,317,416, T deleted; the last of 3 consecutive T bases (chr11:108,317,414-108,317,416); deleting any one gives the same sequence. VCF-style (leftmost placement, unchanged base first): chr11-108317413-AT-A. GRCh37 (hg19) VCF-style: chr11-108188140-AT-A.
Other names: c.6242delT, p.Leu2081Terfs (NM_000051.3); c.6242del, p.Tyr2080_Leu2081insTer (NM_001351834.2); c.641-8343del (NM_001330368.2); c.*39-8343del (NM_001351110.2).
Identifiers: ClinVar variation 926649 (VCV000926649.5), dbSNP rs2084779727, ClinGen allele CA1139662243.